The following is an entry in ClinVar:

NM_016013.4(NDUFAF1):c.760-19A>T

Gene: NDUFAF1 (NADH:ubiquinone oxidoreductase complex assembly factor 1; minus strand). Cytogenetic location: 15q15.1.
Variant type: single nucleotide variant.
Coding change: c.760-19A>T on transcript NM_016013.4 (MANE Select); 19 bases into the intron before coding-DNA position 760, A replaced by T.
Molecular consequence: intron variant.
Genome position (GRCh38, 1-based): chr15:41,388,541, T>A on the plus strand (A>T on the coding strand, the complement: NDUFAF1 is on the minus strand). VCF-style: chr15-41388541-T-A. GRCh37 (hg19) VCF-style: chr15-41680739-T-A.
Identifiers: ClinVar variation 138452 (VCV000138452.10), dbSNP rs139383475, ClinGen allele CA292444.
Genomic context (GRCh38, chr15:41,388,541, plus strand): 5'-GATTCTTCCTCGATTAGAGAAGAAAAATTTGGAAAAAGGAATCTGAAAGAAGAAACCATT[T>A]ACTTCATAACTGAAATGTAAGCAATTGAGGCATCTGCATGTAATTGTAACGATAAAATGA-3'

ClinVar aggregate classification (germline): Benign/Likely benign. Review status: criteria provided, multiple submitters, no conflicts (2 of 4 stars). 3 submissions from 3 submitters: Benign (2); Likely benign (1). Last evaluated 2026-01-07.

Allele frequency attached by ClinVar (database versions not stated): 1000 Genomes Project 30x 0.00047; 1000 Genomes Project 0.00060; ExAC 0.00102; gnomAD 0.00120 and 0.00121; gnomAD exomes 0.00122 and 0.00170; TOPMed 0.00149; ESP Exome Variant Server 0.00185.

Submissions (3):

Labcorp Genetics (formerly Invitae), Labcorp
Classification: Benign. Last evaluated: 2026-01-07. Review status: criteria provided, single submitter. Criteria: Invitae Variant Classification Sherloc (09022015). Collection method: clinical testing. Allele origin: germline.

Blueprint Genetics
Classification: Likely benign. Last evaluated: 2024-11-27. Review status: criteria provided, single submitter. Criteria: ACMG Guidelines, 2015. Collection method: clinical testing. Allele origin: germline.

GeneDx
Classification: Benign. Last evaluated: 2013-07-29. Review status: criteria provided, single submitter. Criteria: GeneDx Variant Classification (06012015). Collection method: clinical testing. Allele origin: germline. Affected: yes.
Comment: This variant is considered likely benign or benign based on one or more of the following criteria: it is a conservative change, it occurs at a poorly conserved position in the protein, it is predicted to be benign by multiple in silico algorithms, and/or has population frequency not consistent with disease.